The following is an entry in ClinVar:

NM_006019.4(TCIRG1):c.1692C>T (p.His564=)

Gene: TCIRG1 (T cell immune regulator 1, ATPase H+ transporting V0 subunit a3; plus strand). Cytogenetic location: 11q13.2.
Variant type: single nucleotide variant.
Coding change: c.1692C>T on transcript NM_006019.4 (MANE Select); coding-DNA position 1692, C replaced by T.
Protein change: p.His564=; no amino-acid change (histidine 564 retained).
Molecular consequence: synonymous variant.
Genome position (GRCh38, 1-based): chr11:68,049,099, C>T. VCF-style: chr11-68049099-C-T. GRCh37 (hg19) VCF-style: chr11-67816566-C-T.
Other names: c.798C>T, p.His266= (NM_001351059.2); c.1044C>T, p.His348= (NM_006053.4).
Identifiers: ClinVar variation 716565 (VCV000716565.11), dbSNP rs749600980, ClinGen allele CA6147241.
Genomic context (GRCh38, chr11:68,049,099, plus strand): 5'-CAGAGTGGGCCCCAGTGAGCACACCTCCCTCTTGCCCGCCAGGCACTTTGGCCAGAGGCA[C>T]CGGCTGCTGCTGGAGACGCTGCCGGAGCTCACCTTCCTGCTGGGACTCTTCGGTTACCTC-3'
Protein context (NP_006010.2, residues 554-574): VFNHVHFGQR[His564=]RLLLETLPEL

ClinVar aggregate classification (germline): Likely benign. Review status: criteria provided, multiple submitters, no conflicts (2 of 4 stars). 2 submissions from 2 submitters: Likely benign (2). Last evaluated 2024-11-10.

Conditions:
TCIRG1-related disorder. Also called: TCIRG1-related condition.

Allele frequency attached by ClinVar (database versions not stated): gnomAD below 0.00001 and 0.00001; TOPMed below 0.00001; gnomAD exomes 0.00004 and 0.00008; ExAC 0.00007.
gnomAD v4.1: 62 of 1,613,500 alleles (0.0038%); highest among the groups gnomAD compares: South Asian, 0.064%; no homozygotes.

Submissions (2):

PreventionGenetics, part of Exact Sciences
Classification: Likely benign for TCIRG1-related condition. Last evaluated: 2024-11-10. Review status: criteria provided, single submitter. Criteria: ACMG Guidelines, 2015. Collection method: clinical testing. Allele origin: germline.
Comment: This variant is classified as likely benign based on ACMG/AMP sequence variant interpretation guidelines (Richards et al. 2015 PMID: 25741868, with internal and published modifications).

Labcorp Genetics (formerly Invitae), Labcorp
Classification: Likely benign. Last evaluated: 2024-10-12. Review status: criteria provided, single submitter. Criteria: Invitae Variant Classification Sherloc (09022015). Collection method: clinical testing. Allele origin: germline.